The following is an entry in ClinVar:

NM_001184880.2(PCDH19):c.3353G>A (p.Ser1118Asn)

Gene: PCDH19 (protocadherin 19; minus strand). Cytogenetic location: Xq22.1.
Variant type: single nucleotide variant.
Coding change: c.3353G>A on transcript NM_001184880.2 (MANE Select); coding-DNA position 3353, G replaced by A.
Protein change: p.Ser1118Asn; replaces serine 1118 with asparagine.
Molecular consequence: missense variant.
Genome position (GRCh38, 1-based): chrX:100,296,371, C>T on the plus strand (G>A on the coding strand, the complement: PCDH19 is on the minus strand). VCF-style: chrX-100296371-C-T. GRCh37 (hg19) VCF-style: chrX-99551369-C-T.
Other names: p.S1071N:AGC>AAC; c.3212G>A, p.Ser1071Asn (NM_001105243.2); c.3209G>A, p.Ser1070Asn (NM_020766.3); short protein forms S1071N, S1118N, S1070N.
Identifiers: ClinVar variation 206308 (VCV000206308.1), dbSNP rs760088234, ClinGen allele CA316281.
Genomic context (GRCh38, chrX:100,296,371, plus strand): 5'-GGGGACTCTTTGTTGCGACCTTCCTTCAGAATGGGGCTGACCTCATGCATGACTTTCTCG[C>T]TATCAGCTCCACGGGGCTCAGCTTCAGAGGGACGAGTAGGGCCATTGTTGACATTGTTGA-3'
Protein context (NP_001171809.1, residues 1108-1128): PSEAEPRGAD[Ser1118Asn]EKVMHEVSPI

ClinVar aggregate classification (germline): Likely benign (1 of 4 stars; one submission).

gnomAD v4.1: 1 of 1,211,638 alleles (0.000083%); highest among the groups gnomAD compares: Non-Finnish European, 0.00011%; no homozygotes.

Submission:

GeneDx
Classification: Likely benign. Last evaluated: 2016-05-02. Review status: criteria provided, single submitter. Criteria: GeneDx Variant Classification (06012015). Collection method: clinical testing. Allele origin: germline. Affected: yes.
Comment: This variant is considered likely benign or benign based on one or more of the following criteria: it is a conservative change, it occurs at a poorly conserved position in the protein, it is predicted to be benign by multiple in silico algorithms, and/or has population frequency not consistent with disease.